The following is an entry in ClinVar:

NM_178526.5(SLC25A42):c.26C>T (p.Pro9Leu)

Gene: SLC25A42 (solute carrier family 25 member 42; plus strand). Cytogenetic location: 19p13.11.
Variant type: single nucleotide variant.
Coding change: c.26C>T on transcript NM_178526.5 (MANE Select); coding-DNA position 26, C replaced by T.
Protein change: p.Pro9Leu; replaces proline 9 with leucine.
Molecular consequence: missense variant.
Genome position (GRCh38, 1-based): chr19:19,096,150, C>T. VCF-style: chr19-19096150-C-T. GRCh37 (hg19) VCF-style: chr19-19206959-C-T.
Other names: p.Pro9Leu; c.26C>T, p.Pro9Leu (NM_001321544.2); c.26C>T (NM_178526.3); short protein forms P9L.
Identifiers: ClinVar variation 1353162 (VCV001353162.8), dbSNP rs117940121, ClinGen allele CA9321313.

ClinVar aggregate classification (germline): Conflicting classifications of pathogenicity. Review status: criteria provided, conflicting classifications (1 of 4 stars). 4 submissions from 4 submitters: Uncertain significance (3); Likely benign (1). Last evaluated 2026-01-26.

Conditions:
Inborn genetic diseases. Identifiers: MedGen C0950123, MeSH D030342.

Allele frequency attached by ClinVar (database versions not stated): ESP Exome Variant Server 0.00115; 1000 Genomes Project 30x 0.00109; TOPMed 0.00122; ExAC 0.00072; 1000 Genomes Project 0.00100; gnomAD 0.00120 and 0.00121.
gnomAD v4.1: 2,299 of 1,613,614 alleles (0.14%); highest among the groups gnomAD compares: Non-Finnish European, 0.17%; 2 homozygotes.

Submissions (4):

Ambry Genetics
Classification: Likely benign for Inborn genetic diseases. Last evaluated: 2026-01-26. Review status: criteria provided, single submitter. Criteria: Ambry Variant Classification Scheme 2023. Collection method: clinical testing. Allele origin: germline.

Mayo Clinic Laboratories, Mayo Clinic
Classification: Uncertain significance. Last evaluated: 2025-08-15. Review status: criteria provided, single submitter. Criteria: ACMG Guidelines, 2015. Collection method: clinical testing. Allele origin: germline. Observed: 1 variant allele.
Comment: BP4_moderate

GeneDx
Classification: Uncertain significance. Last evaluated: 2024-08-28. Review status: criteria provided, single submitter. Criteria: GeneDx Variant Classification Process June 2021. Collection method: clinical testing. Allele origin: germline.
Comment: In silico analysis indicates that this missense variant does not alter protein structure/function; Has not been previously published as pathogenic or benign to our knowledge; This variant is associated with the following publications: (PMID: Ormond2020[Thesis])

Labcorp Genetics (formerly Invitae), Labcorp
Classification: Uncertain significance. Last evaluated: 2022-10-25. Review status: criteria provided, single submitter. Criteria: Invitae Variant Classification Sherloc (09022015). Collection method: clinical testing. Allele origin: germline.
Comment: This sequence change replaces proline, which is neutral and non-polar, with leucine, which is neutral and non-polar, at codon 9 of the SLC25A42 protein (p.Pro9Leu). This variant is present in population databases (rs117940121, gnomAD 0.1%), and has an allele count higher than expected for a pathogenic variant. This variant has not been reported in the literature in individuals affected with SLC25A42-related conditions. ClinVar contains an entry for this variant (Variation ID: 1353162). Algorithms developed to predict the effect of missense changes on protein structure and function (SIFT, PolyPhen-2, Align-GVGD) all suggest that this variant is likely to be tolerated. In summary, the available evidence is currently insufficient to determine the role of this variant in disease. Therefore, it has been classified as a Variant of Uncertain Significance.